The following is an entry in ClinVar:

NM_001105206.3(LAMA4):c.966+308C>T

Gene: LAMA4 (laminin subunit alpha 4; minus strand). Cytogenetic location: 6q21.
Variant type: single nucleotide variant.
Coding change: c.966+308C>T on transcript NM_001105206.3 (MANE Select); 308 bases into the intron after coding-DNA position 966, C replaced by T.
Molecular consequence: intron variant.
Genome position (GRCh38, 1-based): chr6:112,187,142, G>A on the plus strand (C>T on the coding strand, the complement: LAMA4 is on the minus strand). VCF-style: chr6-112187142-G-A. GRCh37 (hg19) VCF-style: chr6-112508344-G-A.
Other names: c.945+308C>T (NM_002290.5, NM_001105207.3).
Identifiers: ClinVar variation 668987 (VCV000668987.1), dbSNP rs117112795, ClinGen allele CA144883703.
Genomic context (GRCh38, chr6:112,187,142, plus strand): 5'-GAAATGGTAGCCTTGCAGTACCTTTTGTGGTAATGACTTAAACAAGTAATGTATGGCTGC[G>A]CCAAGGAAATAAGTGTTTCTCTTTCCTCAGTAGTTTTGGGCATAGATACTAGTCTTTTAG-3'

ClinVar aggregate classification (germline): Likely benign (1 of 4 stars; one submission).

Allele frequency attached by ClinVar (database versions not stated): gnomAD 0.01783; TOPMed 0.01928; 1000 Genomes Project 0.02077; 1000 Genomes Project 30x 0.02311.
gnomAD v4.1: 2,803 of 152,304 alleles (1.8%); highest among the groups gnomAD compares: Middle Eastern, 5.8%; 43 homozygotes.

Submission:

GeneDx
Classification: Likely benign. Last evaluated: 2018-06-19. Review status: criteria provided, single submitter. Criteria: GeneDx Variant Classification (06012015). Collection method: clinical testing. Allele origin: germline. Affected: yes.
Comment: This variant is considered likely benign or benign based on one or more of the following criteria: it is a conservative change, it occurs at a poorly conserved position in the protein, it is predicted to be benign by multiple in silico algorithms, and/or has population frequency not consistent with disease.